The following is an entry in ClinVar:

NM_000051.4(ATM):c.7466C>A (p.Ser2489Tyr)

Genes: ATM (ATM serine/threonine kinase; plus strand), C11orf65 (chromosome 11 open reading frame 65; minus strand). Cytogenetic location: 11q22.3.
Variant type: single nucleotide variant.
Coding change: c.7466C>A on transcript NM_000051.4 (MANE Select); coding-DNA position 7466, C replaced by A.
Protein change: p.Ser2489Tyr; replaces serine 2489 with tyrosine.
Molecular consequence: missense variant. On other transcripts: intron variant (2).
Genome position (GRCh38, 1-based): chr11:108,330,372, C>A. VCF-style: chr11-108330372-C-A. GRCh37 (hg19) VCF-style: chr11-108201099-C-A.
Other names: c.7466C>A, p.Ser2489Tyr (NM_001351834.2); c.641-21301G>T (NM_001330368.2); c.*38+4848G>T (NM_001351110.2); short protein forms S2489Y.
Identifiers: ClinVar variation 859814 (VCV000859814.13), dbSNP rs759728261, ClinGen allele CA382560419.
Genomic context (GRCh38, chr11:108,330,372, plus strand): 5'-ATTATATCAACTGCTTATTAAGTGGAGAAGAACATGATATGTGGGTATTCCGACTTTGTT[C>A]CCTCTGGCTTGAAAATTCTGGAGTTTCTGAAGTCAATGGCATGATGAAGGCAAGTGTTAC-3'
Protein context (NP_000042.3, residues 2479-2499): EHDMWVFRLC[Ser2489Tyr]LWLENSGVSE

ClinVar aggregate classification (germline): Uncertain significance. Review status: criteria provided, multiple submitters, no conflicts (2 of 4 stars). 3 submissions from 3 submitters: Uncertain significance (2). 1 of the submissions does not count toward it. Last evaluated 2024-04-03.

Conditions:
Hereditary cancer-predisposing syndrome. Also called: Tumor predisposition; Neoplastic Syndromes, Hereditary; Hereditary Cancer Syndrome; Hereditary neoplastic syndrome. Identifiers: Orphanet 140162, MedGen C0027672, MeSH D009386, MONDO:0015356.
Familial ovarian cancer. Identifiers: MedGen C5679802, MONDO:0016248.
Ataxia-telangiectasia syndrome (AT). Also called: ATAXIA-TELANGIECTASIA, COMPLEMENTATION GROUP A; ATAXIA-TELANGIECTASIA, FRESNO VARIANT; Ataxia-telangiectasia; Ataxia-telangiectasia, complementation group D; AT, COMPLEMENTATION GROUP C; Ataxia-telangiectasia, complementation group E. Identifiers: Orphanet 100, MedGen C0004135, MONDO:0008840, OMIM 208900.

Submissions (3):

Labcorp Genetics (formerly Invitae), Labcorp
Classification: Uncertain significance for Ataxia-telangiectasia syndrome. Last evaluated: 2024-04-03. Review status: criteria provided, single submitter. Criteria: Invitae Variant Classification Sherloc (09022015). Collection method: clinical testing. Allele origin: germline.
Comment: This sequence change replaces serine, which is neutral and polar, with tyrosine, which is neutral and polar, at codon 2489 of the ATM protein (p.Ser2489Tyr). This variant is not present in population databases (gnomAD no frequency). This variant has not been reported in the literature in individuals affected with ATM-related conditions. ClinVar contains an entry for this variant (Variation ID: 859814). An algorithm developed to predict the effect of missense changes on protein structure and function (PolyPhen-2) suggests that this variant is likely to be disruptive. In summary, the available evidence is currently insufficient to determine the role of this variant in disease. Therefore, it has been classified as a Variant of Uncertain Significance.

Ambry Genetics
Classification: Uncertain significance for Hereditary cancer-predisposing syndrome. Last evaluated: 2023-05-23. Review status: criteria provided, single submitter. Criteria: Ambry Variant Classification Scheme 2023. Collection method: clinical testing. Allele origin: germline.
Comment: The p.S2489Y variant (also known as c.7466C>A), located in coding exon 49 of the ATM gene, results from a C to A substitution at nucleotide position 7466. The serine at codon 2489 is replaced by tyrosine, an amino acid with dissimilar properties. This amino acid position is highly conserved in available vertebrate species. In addition, this alteration is predicted to be deleterious by in silico analysis. Since supporting evidence is limited at this time, the clinical significance of this alteration remains unclear.

Department of Pathology and Laboratory Medicine, Sinai Health System
Classification: Uncertain significance for Familial ovarian cancer. Review status: no assertion criteria provided. Collection method: clinical testing. Allele origin: unknown. Affected: yes. Study: The Canadian Open Genetics Repository (COGR). Not counted in ClinVar's aggregate classification.
Comment: The ATM p.Ser2489Tyr variant was not identified in the literature nor was it identified in the dbSNP, ClinVar, COGR, Cosmic, MutDB, LOVD 3.0, the Exome Aggregation Consortium (August 8th 2016), or the Genome Aggregation Database (Feb 27, 2017). The p.Ser2489 residue is conserved across mammals and other organisms, and computational analyses (PolyPhen-2, SIFT, AlignGVGD, BLOSUM, MutationTaster) suggest that the variant may impact the protein; however, this information is not predictive enough to assume pathogenicity. The variant occurs outside of the splicing consensus sequence and in silico or computational prediction software programs (SpliceSiteFinder, MaxEntScan, NNSPLICE, GeneSplicer) do not predict a difference in splicing. In summary, based on the above information the clinical significance of this variant cannot be determined with certainty at this time. This variant is classified as a variant of uncertain significance.